The following is an entry in ClinVar:

NM_175737.4(KLB):c.1358G>A (p.Arg453Gln)

Gene: KLB (klotho beta; plus strand). Cytogenetic location: 4p14.
Variant type: single nucleotide variant.
Coding change: c.1358G>A on transcript NM_175737.4 (MANE Select); coding-DNA position 1358, G replaced by A.
Protein change: p.Arg453Gln; replaces arginine 453 with glutamine.
Molecular consequence: missense variant.
Genome position (GRCh38, 1-based): chr4:39,437,748, G>A. VCF-style: chr4-39437748-G-A. GRCh37 (hg19) VCF-style: chr4-39439368-G-A.
Other names: short protein forms R453Q.
Identifiers: ClinVar variation 4711690 (VCV004711690.1).

ClinVar aggregate classification (germline): Uncertain significance (1 of 4 stars; one submission).

gnomAD v4.1: 80 of 1,611,940 alleles (0.005%); highest among the groups gnomAD compares: African/African-American, 0.075%; no homozygotes.

Submission:

Labcorp Genetics (formerly Invitae), Labcorp
Classification: Uncertain significance. Last evaluated: 2025-11-09. Review status: criteria provided, single submitter. Criteria: Invitae Variant Classification Sherloc (09022015). Collection method: clinical testing. Allele origin: germline.
Comment: This sequence change replaces arginine, which is basic and polar, with glutamine, which is neutral and polar, at codon 453 of the KLB protein (p.Arg453Gln). This variant is present in population databases (rs114758729, gnomAD 0.1%), and has an allele count higher than expected for a pathogenic variant. This variant has not been reported in the literature in individuals affected with KLB-related conditions. Invitae Evidence Modeling of protein sequence and biophysical properties (such as structural, functional, and spatial information, amino acid conservation, physicochemical variation, residue mobility, and thermodynamic stability) indicates that this missense variant is not expected to disrupt KLB protein function with a negative predictive value of 80%. In summary, the available evidence is currently insufficient to determine the role of this variant in disease. Therefore, it has been classified as a Variant of Uncertain Significance.